The following is an entry in ClinVar:

ClinVar aggregate classification (germline): Uncertain significance. Review status: criteria provided, multiple submitters, no conflicts (2 of 4 stars). 2 submissions from 2 submitters: Uncertain significance (2). Last evaluated 2025-11-04.

Conditions:
Hereditary cancer-predisposing syndrome. Also called: Tumor predisposition; Neoplastic Syndromes, Hereditary; Hereditary Cancer Syndrome; Hereditary neoplastic syndrome. Identifiers: Orphanet 140162, MedGen C0027672, MeSH D009386, MONDO:0015356.
Ataxia-telangiectasia syndrome (AT). Also called: ATAXIA-TELANGIECTASIA, COMPLEMENTATION GROUP A; ATAXIA-TELANGIECTASIA, FRESNO VARIANT; Ataxia-telangiectasia; Ataxia-telangiectasia, complementation group D; AT, COMPLEMENTATION GROUP C; Ataxia-telangiectasia, complementation group E. Identifiers: Orphanet 100, MedGen C0004135, MONDO:0008840, OMIM 208900.

Submissions (2):

Ambry Genetics
Classification: Uncertain significance for Hereditary cancer-predisposing syndrome. Last evaluated: 2025-11-04. Review status: criteria provided, single submitter. Criteria: Ambry Variant Classification Scheme 2023. Collection method: clinical testing. Allele origin: germline.
Comment: The p.A2857T variant (also known as c.8569G>A), located in coding exon 57 of the ATM gene, results from a G to A substitution at nucleotide position 8569. The alanine at codon 2857 is replaced by threonine, an amino acid with similar properties. In an assay testing ATM function, this variant showed an indeterminant result (Lee KS et al. Cell, 2025 Sep;188:5081-5099.e27). This amino acid position is highly conserved in available vertebrate species. In addition, this alteration is predicted to be deleterious by in silico analysis. Based on the available evidence, the clinical significance of this variant remains unclear.

Labcorp Genetics (formerly Invitae), Labcorp
Classification: Uncertain significance for Ataxia-telangiectasia syndrome. Last evaluated: 2023-09-22. Review status: criteria provided, single submitter. Criteria: Invitae Variant Classification Sherloc (09022015). Collection method: clinical testing. Allele origin: germline.
Comment: This sequence change replaces alanine, which is neutral and non-polar, with threonine, which is neutral and polar, at codon 2857 of the ATM protein (p.Ala2857Thr). This variant is not present in population databases (gnomAD no frequency). This variant has not been reported in the literature in individuals affected with ATM-related conditions. ClinVar contains an entry for this variant (Variation ID: 822565). An algorithm developed to predict the effect of missense changes on protein structure and function (PolyPhen-2) suggests that this variant is likely to be disruptive. Algorithms developed to predict the effect of sequence changes on RNA splicing suggest that this variant may create or strengthen a splice site. In summary, the available evidence is currently insufficient to determine the role of this variant in disease. Therefore, it has been classified as a Variant of Uncertain Significance.

Literature cited by the submitters: PubMed 40580951 (cited by Ambry Genetics).

NM_000051.4(ATM):c.8569G>A (p.Ala2857Thr)

Genes: ATM (ATM serine/threonine kinase; plus strand), C11orf65 (chromosome 11 open reading frame 65; minus strand). Cytogenetic location: 11q22.3.
Variant type: single nucleotide variant.
Coding change: c.8569G>A on transcript NM_000051.4 (MANE Select); coding-DNA position 8569, G replaced by A.
Protein change: p.Ala2857Thr; replaces alanine 2857 with threonine.
Molecular consequence: missense variant. On other transcripts: intron variant (2).
Genome position (GRCh38, 1-based): chr11:108,345,893, G>A. VCF-style: chr11-108345893-G-A. GRCh37 (hg19) VCF-style: chr11-108216620-G-A.
Other names: c.8569G>A, p.Ala2857Thr (NM_001351834.2); c.641-36822C>T (NM_001330368.2); c.695-10601C>T (NM_001351110.2); short protein forms A2857T.
Identifiers: ClinVar variation 822565 (VCV000822565.9), dbSNP rs1591265701, ClinGen allele CA382518675.